The following is an entry in ClinVar:

NM_007294.4(BRCA1):c.1155G>T (p.Trp385Cys)

Gene: BRCA1 (BRCA1 DNA repair associated; minus strand). Cytogenetic location: 17q21.31.
Variant type: single nucleotide variant.
Coding change: c.1155G>T on transcript NM_007294.4 (MANE Select); coding-DNA position 1155, G replaced by T.
Protein change: p.Trp385Cys; replaces tryptophan 385 with cysteine.
Molecular consequence: missense variant. On other transcripts: intron variant (137).
Genome position (GRCh38, 1-based): chr17:43,094,376, C>A on the plus strand (G>T on the coding strand, the complement: BRCA1 is on the minus strand). VCF-style: chr17-43094376-C-A. GRCh37 (hg19) VCF-style: chr17-41246393-C-A.
Other names: c.646+368G>T (NM_001408469.1, NM_001408461.1, NM_001408453.1 and 11 more transcripts); c.888G>T, p.Trp296Cys (NM_001407930.1, NM_001407931.1, NM_001407932.1 and 2 more transcripts); c.1152G>T, p.Trp384Cys (NM_001407636.1, NM_001407637.1, NM_001407638.1 and 22 more transcripts); c.1155G>T, p.Trp385Cys (NM_001407639.1, NM_007300.4, NM_001407581.1 and 30 more transcripts); c.784+368G>T (NM_001408397.1, NM_001408401.1, NM_001408396.1 and 13 more transcripts); c.787+368G>T (NM_001407980.1, NM_001407993.1, NM_001407976.1 and 19 more transcripts); c.652+368G>T (NM_001408451.1); c.523+368G>T (NM_001408498.1, NM_001408501.1, NM_001408500.1 and 3 more transcripts); and 40 more; short protein forms W385C, W338C, W217C, W257C, W273C, W314C, W315C, W318C.
Identifiers: ClinVar variation 240771 (VCV000240771.34), dbSNP rs876660558, ClinGen allele CA10583581.

ClinVar aggregate classification (germline): Conflicting classifications of pathogenicity. Review status: criteria provided, conflicting classifications (1 of 4 stars). 7 submissions from 7 submitters: Uncertain significance (6); Likely benign (1). Last evaluated 2025-10-23.

Conditions:
Hereditary cancer-predisposing syndrome. Also called: Tumor predisposition; Neoplastic Syndromes, Hereditary; Hereditary Cancer Syndrome; Hereditary neoplastic syndrome. Identifiers: Orphanet 140162, MedGen C0027672, MeSH D009386, MONDO:0015356.
Hereditary breast ovarian cancer syndrome. Also called: Hereditary breast and ovarian cancer syndrome; Hereditary breast and ovarian cancer; Hereditary breast and ovarian cancer syndrome (HBOC); Hereditary breast and/or ovarian cancer syndrome; Breast and ovarian cancer; BRCA1- and BRCA2-Associated Hereditary Breast and Ovarian Cancer. Identifiers: Orphanet 145, MedGen C0677776, MeSH D061325, MONDO:0003582. Disease mechanism: loss of function.

Allele frequency attached by ClinVar (database versions not stated): TOPMed 0.00002.

Submissions (7):

Ambry Genetics
Classification: Uncertain significance for Hereditary cancer-predisposing syndrome. Last evaluated: 2025-10-23. Review status: criteria provided, single submitter. Criteria: Ambry Variant Classification Scheme 2023. Collection method: clinical testing. Allele origin: germline.
Comment: The p.W385C variant (also known as c.1155G>T), located in coding exon 9 of the BRCA1 gene, results from a G to T substitution at nucleotide position 1155. The tryptophan at codon 385 is replaced by cysteine, an amino acid with highly dissimilar properties. This variant was identified in a cohort of 3,579 African males diagnosed with prostate cancer who underwent multi-gene panel testing of 19 DNA repair and cancer predisposition genes (Matejcic M et al. JCO Precis Oncol, 2020 Jan;4:32-43). This amino acid position is highly conserved in available vertebrate species. In addition, this alteration is predicted to be deleterious by in silico analysis. Since supporting evidence is limited at this time, the clinical significance of this alteration remains unclear.

Labcorp Genetics (formerly Invitae), Labcorp
Classification: Uncertain significance for Hereditary breast ovarian cancer syndrome. Last evaluated: 2025-09-20. Review status: criteria provided, single submitter. Criteria: Invitae Variant Classification Sherloc (09022015). Collection method: clinical testing. Allele origin: germline.
Comment: This sequence change replaces tryptophan, which is neutral and slightly polar, with cysteine, which is neutral and slightly polar, at codon 385 of the BRCA1 protein (p.Trp385Cys). This variant is not present in population databases (gnomAD no frequency). This missense change has been observed in individual(s) with prostate cancer (PMID: 32832836). ClinVar contains an entry for this variant (Variation ID: 240771). Invitae Evidence Modeling of protein sequence and biophysical properties (such as structural, functional, and spatial information, amino acid conservation, physicochemical variation, residue mobility, and thermodynamic stability) indicates that this missense variant is expected to disrupt BRCA1 protein function with a positive predictive value of 80%. In summary, the available evidence is currently insufficient to determine the role of this variant in disease. Therefore, it has been classified as a Variant of Uncertain Significance.

Quest Diagnostics Nichols Institute San Juan Capistrano
Classification: Uncertain significance. Last evaluated: 2024-01-19. Review status: criteria provided, single submitter. Criteria: Quest Diagnostics criteria. Collection method: clinical testing. Allele origin: unknown.
Comment: The BRCA1 c.1155G>T (p.Trp385Cys) variant has been reported in the published literature to be located in a region of the BRCA1 gene that is tolerant to missense sequence changes (PMID: 31911673 (2020)). Additionally, the variant was reported in a study including men affected with prostate cancer and reportedly healthy individuals, however the study does not specify if the individuals were affected or not (PMID: 32832836 (2020)). This variant has not been reported in large, multi-ethnic general populations (Genome Aggregation Database). Analysis of this variant using bioinformatics tools for the prediction of the effect of amino acid changes on protein structure and function yielded predictions that this variant is damaging. Based on the available information, we are unable to determine the clinical significance of this variant.

University of Washington Department of Laboratory Medicine, University of Washington
Classification: Likely benign for Hereditary cancer-predisposing syndrome. Last evaluated: 2023-03-23. Review status: criteria provided, single submitter. Criteria: Dines et al. (Genet Med. 2020). Collection method: curation. Allele origin: germline.
Comment: Missense variant in a coldspot region where missense variants are very unlikely to be pathogenic (PMID:31911673).

BRCA1 coldspot (exon 11 using historical exon numbering). Reclassification based on statistical prior probability

GeneDx
Classification: Uncertain significance. Last evaluated: 2022-08-05. Review status: criteria provided, single submitter. Criteria: GeneDx Variant Classification Process June 2021. Collection method: clinical testing. Allele origin: germline. Affected: yes.
Comment: Not observed at significant frequency in large population cohorts (gnomAD); In silico analysis supports that this missense variant has a deleterious effect on protein structure/function; Has not been previously published as pathogenic or benign to our knowledge; Also known as 1274G>T; This variant is associated with the following publications: (PMID: 10426999, 20215511, 15343273, 9926942, 9582019, 11521194)

Color Diagnostics, LLC DBA Color Health
Classification: Uncertain significance for Hereditary cancer-predisposing syndrome. Last evaluated: 2019-03-25. Review status: criteria provided, single submitter. Criteria: ACMG Guidelines, 2015. Collection method: clinical testing. Allele origin: germline.

Women's Health and Genetics/Laboratory Corporation of America, LabCorp
Classification: Uncertain significance. Last evaluated: 2018-01-12. Review status: criteria provided, single submitter. Criteria: LabCorp Variant Classification Summary - May 2015. Collection method: clinical testing. Allele origin: germline.
Comment: Variant summary: The BRCA1 c.1155G>T (p.Trp385Cys) variant involves the alteration of a conserved nucleotide, is located in serine-rich domain of the protein (InterPro) and is predicted to be damaging by 5/5 in silico tools. This variant was found in 4/265666 control chromosomes at a frequency of 0.0000151 (gnomAD and FLOSSIES db), which does not exceed the estimated maximal expected allele frequency of a pathogenic BRCA1 variant (0.0010005). The FLOSSIES db includes 7325 European Americans and 2559 African Americans aged over 70 yrs and this variant was only reported in this database. The variant of interest has not, to our knowledge, been reported in affected individuals via publications, nor has it been evaluated for functional impact by in vivo/vitro studies. Multiple clinical diagnostic laboratories have classified this variant as uncertain significance. Based on the currently available information, the variant is classified as a variant of uncertain significance (VUS).

Literature cited by the submitters: PubMed 32832836 (cited by 3 submitters); PubMed 31911673 (cited by Quest Diagnostics Nichols Institute San Juan Capistrano); PubMed 26295337 (cited by Quest Diagnostics Nichols Institute San Juan Capistrano).